The following is an entry in ClinVar:

NM_144573.4(NEXN):c.315A>T (p.Arg105Ser)

Genes: NEXN (nexilin F-actin binding protein; plus strand), LOC126805765 (BRD4-independent group 4 enhancer GRCh37_chr1:78383688-78384887; plus strand). Cytogenetic location: 1p31.1.
Variant type: single nucleotide variant.
Coding change: c.315A>T on transcript NM_144573.4 (MANE Select); coding-DNA position 315, A replaced by T.
Protein change: p.Arg105Ser; replaces arginine 105 with serine.
Molecular consequence: missense variant.
Genome position (GRCh38, 1-based): chr1:77,918,141, A>T. VCF-style: chr1-77918141-A-T. GRCh37 (hg19) VCF-style: chr1-78383826-A-T.
Other names: c.123A>T, p.Arg41Ser (NM_001172309.2); short protein forms R41S, R105S.
Identifiers: ClinVar variation 4614693 (VCV004614693.1).
Genomic context (GRCh38, chr1:77,918,141, plus strand): 5'-AGAAACATAACCAAGTATCAAACTTTTTTTTCATATATTTTTAGGAACTGTGAAGGGTAG[A>T]TTTGCTGAAATGGAGAAACAAAGACAAGAGGAACAAAGGAAGAGAACGGAGGAGGAACGA-3'
Protein context (NP_653174.3, residues 95-115): VPKLTGTVKG[Arg105Ser]FAEMEKQRQE

ClinVar aggregate classification (germline): Uncertain significance (1 of 4 stars; one submission).

Conditions:
Cardiovascular phenotype. Identifiers: MedGen CN230736.

gnomAD v4.1: 1 of 1,614,060 alleles (0.000062%); highest among the groups gnomAD compares: Admixed American, 0.0017%; no homozygotes.

Submission:

Ambry Genetics
Classification: Uncertain significance for Cardiovascular phenotype. Last evaluated: 2025-11-15. Review status: criteria provided, single submitter. Criteria: Ambry Variant Classification Scheme 2023. Collection method: clinical testing. Allele origin: germline.
Comment: The p.R105S variant (also known as c.315A>T), located in coding exon 4 of the NEXN gene, results from an A to T substitution at nucleotide position 315. The arginine at codon 105 is replaced by serine, an amino acid with dissimilar properties. This amino acid position is conserved. In addition, this alteration is predicted to be tolerated by in silico analysis. Based on the available evidence, the clinical significance of this variant remains unclear.